The following is an entry in ClinVar:

ClinVar aggregate classification (germline): Uncertain significance. Review status: criteria provided, multiple submitters, no conflicts (2 of 4 stars). 4 submissions from 4 submitters: Uncertain significance (4). Last evaluated 2025-12-09.

Conditions:
Inborn genetic diseases. Identifiers: MedGen C0950123, MeSH D030342.
Bethlem myopathy 2 (BTHLM2). Identifiers: Orphanet 536516, Orphanet 610, MedGen C4225313, MONDO:0034022, OMIM 616471.
Ullrich congenital muscular dystrophy 2 (UCMD2). Identifiers: Orphanet 75840, MedGen C4225314, MONDO:0014654, OMIM 616470.

Allele frequency attached by ClinVar (database versions not stated): gnomAD 0.00001; TOPMed 0.00001; gnomAD exomes 0.00001.
gnomAD v4.1: 23 of 1,611,238 alleles (0.0014%); highest among the groups gnomAD compares: Non-Finnish European, 0.0019%; no homozygotes.

Submissions (4):

Women's Health and Genetics/Laboratory Corporation of America, LabCorp
Classification: Uncertain significance. Last evaluated: 2025-12-09. Review status: criteria provided, single submitter. Criteria: LabCorp Variant Classification Summary - May 2015. Collection method: clinical testing. Allele origin: germline.
Comment: Variant summary: COL12A1 c.401C>T (p.Ser134Phe) results in a non-conservative amino acid change in the encoded protein sequence. Algorithms developed to predict the effect of missense changes on protein structure and function are either unavailable or do not agree on the potential impact of this missense change. The variant was absent in 247846 control chromosomes (gnomAD). The available data on variant occurrences in the general population are insufficient to allow any conclusion about variant significance. To our knowledge, no occurrence of c.401C>T in individuals affected with COL12A1-related conditions and no experimental evidence demonstrating its impact on protein function have been reported. ClinVar contains an entry for this variant (Variation ID: 661994). Based on the evidence outlined above, the variant was classified as uncertain significance.

Labcorp Genetics (formerly Invitae), Labcorp
Classification: Uncertain significance for Bethlem myopathy 2; Ullrich congenital muscular dystrophy 2. Last evaluated: 2025-06-29. Review status: criteria provided, single submitter. Criteria: Invitae Variant Classification Sherloc (09022015). Collection method: clinical testing. Allele origin: germline.
Comment: This sequence change replaces serine, which is neutral and polar, with phenylalanine, which is neutral and non-polar, at codon 134 of the COL12A1 protein (p.Ser134Phe). This variant is not present in population databases (gnomAD no frequency). This variant has not been reported in the literature in individuals affected with COL12A1-related conditions. ClinVar contains an entry for this variant (Variation ID: 661994). Invitae Evidence Modeling of protein sequence and biophysical properties (such as structural, functional, and spatial information, amino acid conservation, physicochemical variation, residue mobility, and thermodynamic stability) has been performed for this missense variant. However, the output from this modeling did not meet the statistical confidence thresholds required to predict the impact of this variant on COL12A1 protein function. In summary, the available evidence is currently insufficient to determine the role of this variant in disease. Therefore, it has been classified as a Variant of Uncertain Significance.

Genomic Medicine Center of Excellence, King Faisal Specialist Hospital and Research Centre
Classification: Uncertain significance for Bethlem myopathy 2. Last evaluated: 2024-03-26. Review status: criteria provided, single submitter. Criteria: ACMG Guidelines, 2015. Collection method: clinical testing. Allele origin: germline.

Ambry Genetics
Classification: Uncertain significance for Inborn genetic diseases. Last evaluated: 2023-10-30. Review status: criteria provided, single submitter. Criteria: Ambry Variant Classification Scheme 2023. Collection method: clinical testing. Allele origin: germline.

NM_004370.6(COL12A1):c.401C>T (p.Ser134Phe)

Gene: COL12A1 (collagen type XII alpha 1 chain; minus strand). Cytogenetic location: 6q13.
Variant type: single nucleotide variant.
Coding change: c.401C>T on transcript NM_004370.6 (MANE Select); coding-DNA position 401, C replaced by T.
Protein change: p.Ser134Phe; replaces serine 134 with phenylalanine.
Molecular consequence: missense variant. On other transcripts: intron variant (1).
Genome position (GRCh38, 1-based): chr6:75,189,809, G>A on the plus strand (C>T on the coding strand, the complement: COL12A1 is on the minus strand). VCF-style: chr6-75189809-G-A. GRCh37 (hg19) VCF-style: chr6-75899525-G-A.
Other names: c.73+12911C>T (NM_080645.3); short protein forms S134F.
Identifiers: ClinVar variation 661994 (VCV000661994.11), dbSNP rs1346687171, ClinGen allele CA364729813.